The following is an entry in ClinVar:

ClinVar aggregate classification (germline): Likely benign. Review status: criteria provided, multiple submitters, no conflicts (2 of 4 stars). 2 submissions from 2 submitters: Likely benign (2). Last evaluated 2025-04-17.

Conditions:
Familial thoracic aortic aneurysm and aortic dissection (TAAD). Also called: Thoracic aortic aneurysms and dissections. Identifiers: Orphanet 91387, MedGen C4707243, MONDO:0019625.
Marfan syndrome (MFS). Also called: Marfan syndrome type 1; Marfan syndrome, classic; Marfan's syndrome; FBN1-Related Marfan Syndrome; MARFAN SYNDROME, TYPE I. Identifiers: Orphanet 284963, Orphanet 558, MedGen C0024796, MONDO:0007947, OMIM 154700.

Allele frequency attached by ClinVar (database versions not stated): ExAC 0.00001; gnomAD 0.00001; TOPMed 0.00001; ESP Exome Variant Server 0.00008; gnomAD exomes below 0.00001.

Submissions (2):

Labcorp Genetics (formerly Invitae), Labcorp
Classification: Likely benign for Marfan syndrome; Familial thoracic aortic aneurysm and aortic dissection. Last evaluated: 2025-04-17. Review status: criteria provided, single submitter. Criteria: Invitae Variant Classification Sherloc (09022015). Collection method: clinical testing. Allele origin: germline.

GeneDx
Classification: Likely benign. Last evaluated: 2017-05-04. Review status: criteria provided, single submitter. Criteria: GeneDx Variant Classification (06012015). Collection method: clinical testing. Allele origin: germline. Affected: yes.
Comment: This variant is considered likely benign or benign based on one or more of the following criteria: it is a conservative change, it occurs at a poorly conserved position in the protein, it is predicted to be benign by multiple in silico algorithms, and/or has population frequency not consistent with disease.

NM_000138.5(FBN1):c.5671+11_5671+13dup

Gene: FBN1 (fibrillin 1; minus strand). Cytogenetic location: 15q21.1.
Variant type: Duplication.
Coding change: c.5671+11_5671+13dup on transcript NM_000138.5 (MANE Select); bases 11 to 13 of the intron after coding-DNA position 5671, 3 bases duplicated (AAT; older notation c.5671+11_5671+13dupAAT).
Molecular consequence: intron variant.
Genome position (GRCh38, 1-based): chr15:48,448,755-48,448,757, ATT duplicated on the plus strand (AAT on the coding strand, the reverse complement: FBN1 is on the minus strand). VCF-style (leftmost placement, unchanged base first): chr15-48448754-A-AATT. GRCh37 (hg19) VCF-style: chr15-48740951-A-AATT.
Other names: c.5671+11_5671+13dupAAT (NM_000138.4).
Identifiers: ClinVar variation 509388 (VCV000509388.8), dbSNP rs779987733, ClinGen allele CA7547913.
Genomic context (GRCh38, chr15:48,448,754, plus strand): 5'-AATTTTATCCATATTTAGAATCAAATGAAGCTTTCAACAGCATATGAAAAAAATAATAAT[A>AATT]ATTGCATACTTACCCAAGCACATGGTTTGGTCATCATTTGTTTTAAAACCAGTGTGGCAA-3'